The following is an entry in ClinVar:

ClinVar aggregate classification (germline): Uncertain significance (1 of 4 stars; one submission).

Conditions:
Intellectual developmental disorder, autosomal dominant 1. Also called: Intellectual disability, autosomal dominant 1; MBD5 Haploinsufficiency. Identifiers: Orphanet 228402, MedGen C1969562, MONDO:0007974, OMIM 156200.

Submission:

Laboratorio de Genetica e Diagnostico Molecular, Hospital Israelita Albert Einstein
Classification: Uncertain significance for Intellectual developmental disorder, autosomal dominant 1. Last evaluated: 2021-11-30. Review status: criteria provided, single submitter. Criteria: ACMG Guidelines, 2015. Collection method: clinical testing. Allele origin: germline. Affected: yes.
Comment: ACMG classification criteria: PM2 moderate, BP4 supporting

NM_001378120.1(MBD5):c.3797G>T (p.Ser1266Ile)

Gene: MBD5 (methyl-CpG binding domain protein 5; plus strand). Cytogenetic location: 2q23.1.
Variant type: single nucleotide variant.
Coding change: c.3797G>T on transcript NM_001378120.1 (MANE Select); coding-DNA position 3797, G replaced by T.
Protein change: p.Ser1266Ile; replaces serine 1266 with isoleucine.
Molecular consequence: missense variant.
Genome position (GRCh38, 1-based): chr2:148,489,429, G>T. VCF-style: chr2-148489429-G-T. GRCh37 (hg19) VCF-style: chr2-149246998-G-T.
Other names: c.3098G>T, p.Ser1033Ile (NM_018328.5); short protein forms S1033I, S1266I.
Identifiers: ClinVar variation 1683697 (VCV001683697.2), dbSNP rs2105123807, ClinGen allele CA348725013.
Genomic context (GRCh38, chr2:148,489,429, plus strand): 5'-CTGTCTATTTCTTCAAGGTGAGAATGCAGGAAGATGCAGCTCTCCTAAACAAAAGAATAA[G>T]CACTCAGCCTGGGCTCACAGCACTTCCTGAGAATCCAAACACTACACTTCCACCTTTTCA-3'
Protein context (NP_001365049.1, residues 1256-1276): EDAALLNKRI[Ser1266Ile]TQPGLTALPE